The following is an entry in ClinVar:

ClinVar aggregate classification (germline): Uncertain significance. Review status: criteria provided, multiple submitters, no conflicts (2 of 4 stars). 2 submissions from 2 submitters: Uncertain significance (2). Last evaluated 2023-10-04.

Conditions:
Inborn genetic diseases. Identifiers: MedGen C0950123, MeSH D030342.

Allele frequency attached by ClinVar (database versions not stated): TOPMed below 0.00001.

Submissions (2):

Ambry Genetics
Classification: Uncertain significance for Inborn genetic diseases. Last evaluated: 2023-10-04. Review status: criteria provided, single submitter. Criteria: Ambry Variant Classification Scheme 2023. Collection method: clinical testing. Allele origin: germline.

Labcorp Genetics (formerly Invitae), Labcorp
Classification: Uncertain significance. Last evaluated: 2022-08-07. Review status: criteria provided, single submitter. Criteria: Invitae Variant Classification Sherloc (09022015). Collection method: clinical testing. Allele origin: germline.
Comment: This variant has not been reported in the literature in individuals affected with DEAF1-related conditions. In summary, the available evidence is currently insufficient to determine the role of this variant in disease. Therefore, it has been classified as a Variant of Uncertain Significance. Advanced modeling of protein sequence and biophysical properties (such as structural, functional, and spatial information, amino acid conservation, physicochemical variation, residue mobility, and thermodynamic stability) performed at Invitae indicates that this missense variant is not expected to disrupt DEAF1 protein function. This variant is not present in population databases (gnomAD no frequency). This sequence change replaces glycine, which is neutral and non-polar, with aspartic acid, which is acidic and polar, at codon 188 of the DEAF1 protein (p.Gly188Asp).

NM_021008.4(DEAF1):c.563G>A (p.Gly188Asp)

Gene: DEAF1 (DEAF1 transcription factor; minus strand). Cytogenetic location: 11p15.5.
Variant type: single nucleotide variant.
Coding change: c.563G>A on transcript NM_021008.4 (MANE Select); coding-DNA position 563, G replaced by A.
Protein change: p.Gly188Asp; replaces glycine 188 with aspartic acid.
Molecular consequence: missense variant. On other transcripts: 5 prime UTR variant (1).
Genome position (GRCh38, 1-based): chr11:688,012, C>T on the plus strand (G>A on the coding strand, the complement: DEAF1 is on the minus strand). VCF-style: chr11-688012-C-T. GRCh37 (hg19) VCF-style: chr11-688012-C-T.
Other names: c.563G>A, p.Gly188Asp (NM_001293634.2); c.-164G>A (NM_001367390.1); short protein forms G188D.
Identifiers: ClinVar variation 1947982 (VCV001947982.6), dbSNP rs1860672556, ClinGen allele CA378933978.